The following is an entry in ClinVar:

NM_006648.4(WNK2):c.6620C>T (p.Pro2207Leu)

Gene: WNK2 (WNK lysine deficient protein kinase 2; plus strand). Cytogenetic location: 9q22.31.
Variant type: single nucleotide variant.
Coding change: c.6620C>T on transcript NM_006648.4 (MANE Select); coding-DNA position 6620, C replaced by T.
Protein change: p.Pro2207Leu; replaces proline 2207 with leucine.
Molecular consequence: missense variant.
Genome position (GRCh38, 1-based): chr9:93,317,623, C>T. VCF-style: chr9-93317623-C-T. GRCh37 (hg19) VCF-style: chr9-96079905-C-T.
Other names: c.6731C>T, p.Pro2244Leu (NM_001282394.3); short protein forms P2244L, P2207L.
Identifiers: ClinVar variation 3816431 (VCV003816431.1).
Genomic context (GRCh38, chr9:93,317,623, plus strand): 5'-CAGCGCCCGGCCCTCTGTCCACCACGGTCATTCCCGGAGCCGCCCCGACCCTGTCCGTGC[C>T]CACACCAGGTACTGCCCTCTCCAACCTCCCAACCCCACCCTGTGCGCTGCCTCTGGGTCA-3'
Protein context (NP_006639.3, residues 2197-2217): IPGAAPTLSV[Pro2207Leu]TPDPESEKPD

ClinVar aggregate classification (germline): Uncertain significance (1 of 4 stars; one submission).

Submission:

Ambry Genetics
Classification: Uncertain significance. Last evaluated: 2024-12-12. Review status: criteria provided, single submitter. Criteria: Ambry Variant Classification Scheme 2023. Collection method: clinical testing. Allele origin: germline.
Comment: The p.P2207L variant (also known as c.6620C>T), located in coding exon 28 of the WNK2 gene, results from a C to T substitution at nucleotide position 6620. The proline at codon 2207 is replaced by leucine, an amino acid with similar properties. This amino acid position is conserved. In addition, the in silico prediction for this alteration is inconclusive. Based on the available evidence, the clinical significance of this variant remains unclear.